The following is an entry in ClinVar:

ClinVar aggregate classification (germline): Pathogenic. Review status: criteria provided, multiple submitters, no conflicts (2 of 4 stars). 3 submissions from 3 submitters: Pathogenic (3). Last evaluated 2024-04-16.

Conditions:
Muscular dystrophy-dystroglycanopathy (congenital with brain and eye anomalies), type A2. Also called: WALKER-WARBURG SYNDROME OR MUSCLE-EYE-BRAIN DISEASE, POMT2-RELATED; MUSCULAR DYSTROPHY-DYSTROGLYCANOPATHY (CONGENITAL WITH BRAIN AND EYE ANOMALIES), TYPE A, 2. Identifiers: Orphanet 588, Orphanet 899, MedGen C3150411, MONDO:0013154, OMIM 613150.
Muscular dystrophy-dystroglycanopathy (congenital with impaired intellectual development), type B, 2. Also called: Muscular dystrophy-dystroglycanopathy (congenital with intellectual disability), type B2; MUSCULAR DYSTROPHY, CONGENITAL, POMT2-RELATED. Identifiers: MedGen C3150416, MONDO:0013160, OMIM 613156.
Autosomal recessive limb-girdle muscular dystrophy type 2N. Also called: MUSCULAR DYSTROPHY-DYSTROGLYCANOPATHY, LIMB-GIRDLE, POMT2-RELATED; Muscular dystrophy-dystroglycanopathy (limb-girdle), type C, 2. Identifiers: Orphanet 206559, MedGen C3150418, MONDO:0013162, OMIM 613158.

Submissions (3):

Fulgent Genetics
Classification: Pathogenic for Muscular dystrophy-dystroglycanopathy (congenital with brain and eye anomalies), type A2; Muscular dystrophy-dystroglycanopathy (congenital with impaired intellectual development), type B, 2; Autosomal recessive limb-girdle muscular dystrophy type 2N. Last evaluated: 2024-04-16. Review status: criteria provided, single submitter. Criteria: ACMG Guidelines, 2015. Collection method: clinical testing. Allele origin: germline.

Labcorp Genetics (formerly Invitae), Labcorp
Classification: Pathogenic for Muscular dystrophy-dystroglycanopathy (congenital with impaired intellectual development), type B, 2; Muscular dystrophy-dystroglycanopathy (congenital with brain and eye anomalies), type A2; Autosomal recessive limb-girdle muscular dystrophy type 2N. Last evaluated: 2024-02-14. Review status: criteria provided, single submitter. Criteria: Invitae Variant Classification Sherloc (09022015). Collection method: clinical testing. Allele origin: germline.
Comment: This sequence change creates a premature translational stop signal (p.Tyr376Profs*23) in the POMT2 gene. It is expected to result in an absent or disrupted protein product. Loss-of-function variants in POMT2 are known to be pathogenic (PMID: 15894594). This variant is present in population databases (no rsID available, gnomAD 0.0009%). This premature translational stop signal has been observed in individual(s) with clinical features of muscular dystrophy-dystroglycanopathy (PMID: 22323514). This variant is also known as c.1124insAC. ClinVar contains an entry for this variant (Variation ID: 282447). For these reasons, this variant has been classified as Pathogenic.

Eurofins Ntd Llc (ga)
Classification: Pathogenic. Last evaluated: 2015-08-17. Review status: criteria provided, single submitter. Criteria: EGL Classification Definitions. Collection method: clinical testing. Allele origin: germline. Observed: 1 variant allele, 1 heterozygote.

Literature cited by the submitters: PubMed 15894594 (cited by Labcorp Genetics (formerly Invitae), Labcorp); PubMed 22323514 (cited by Labcorp Genetics (formerly Invitae), Labcorp).

NM_013382.7(POMT2):c.1123_1124dup (p.Tyr376fs)

Gene: POMT2 (protein O-mannosyltransferase 2; minus strand). Cytogenetic location: 14q24.3.
Variant type: Duplication.
Coding change: c.1123_1124dup on transcript NM_013382.7 (MANE Select); coding-DNA positions 1123 to 1124, 2 bases duplicated (AC; older notation c.1123_1124dupAC).
Protein change: p.Tyr376fs; shifts the reading frame from tyrosine 376.
Molecular consequence: frameshift variant.
Genome position (GRCh38, 1-based): chr14:77,291,373-77,291,374, GT duplicated on the plus strand (AC on the coding strand, the reverse complement: POMT2 is on the minus strand); duplicating any 2 consecutive bases within chr14:77,291,373-77,291,375 gives the same sequence; the c. name uses the placement nearest the transcript's 3' end. VCF-style (leftmost placement, unchanged base first): chr14-77291372-G-GGT. GRCh37 (hg19) VCF-style: chr14-77757715-G-GGT.
Other names: short protein forms Y376fs.
Identifiers: ClinVar variation 282447 (VCV000282447.16), dbSNP rs886042401, ClinGen allele CA10604183.